The following is an entry in ClinVar:

NM_001365276.2(TNXB):c.2730G>A (p.Ala910=)

Gene: TNXB (tenascin XB; minus strand). Cytogenetic location: 6p21.33.
Variant type: single nucleotide variant.
Coding change: c.2730G>A on transcript NM_001365276.2 (MANE Select); coding-DNA position 2730, G replaced by A.
Protein change: p.Ala910=; no amino-acid change (alanine 910 retained).
Molecular consequence: synonymous variant.
Genome position (GRCh38, 1-based): chr6:32,088,834, C>T on the plus strand (G>A on the coding strand, the complement: TNXB is on the minus strand). VCF-style: chr6-32088834-C-T. GRCh37 (hg19) VCF-style: chr6-32056611-C-T.
Other names: c.2730G>A, p.Ala910= (NM_019105.8).
Identifiers: ClinVar variation 1203686 (VCV001203686.10), dbSNP rs564894886, ClinGen allele CA3735424.

ClinVar aggregate classification (germline): Conflicting classifications of pathogenicity. Review status: criteria provided, conflicting classifications (1 of 4 stars). 5 submissions from 5 submitters: Uncertain significance (1); Likely benign (3). 1 of the submissions does not count toward it. Last evaluated 2026-04-21.

Conditions:
TNXB-related disorder. Also called: TNXB-related condition.
Cardiovascular phenotype. Identifiers: MedGen CN230736.

Allele frequency attached by ClinVar (database versions not stated): ExAC 0.00008; gnomAD 0.00011 and 0.00013; 1000 Genomes Project 30x 0.00016; 1000 Genomes Project 0.00020; TOPMed 0.00023.
gnomAD v4.1: 57 of 1,582,076 alleles (0.0036%); highest among the groups gnomAD compares: Admixed American, 0.045%; no homozygotes.

Submissions (5):

Women's Health and Genetics/Laboratory Corporation of America, LabCorp
Classification: Likely benign. Last evaluated: 2026-04-21. Review status: criteria provided, single submitter. Criteria: LabCorp Variant Classification Summary - May 2015. Collection method: clinical testing. Allele origin: germline.

Ambry Genetics
Classification: Likely benign for Cardiovascular phenotype. Last evaluated: 2021-04-27. Review status: criteria provided, single submitter. Criteria: Ambry Variant Classification Scheme 2023. Collection method: clinical testing. Allele origin: germline.

GeneDx
Classification: Likely benign. Last evaluated: 2020-09-23. Review status: criteria provided, single submitter. Criteria: GeneDx Variant Classification Process June 2021. Collection method: clinical testing. Allele origin: germline. Affected: yes.

Laboratorio de Genetica e Diagnostico Molecular, Hospital Israelita Albert Einstein
Classification: Uncertain significance. Last evaluated: 2020-01-16. Review status: criteria provided, single submitter. Criteria: ACMG Guidelines, 2015. Collection method: clinical testing. Allele origin: germline. Affected: yes.
Comment: ACMG classification criteria: PM2

PreventionGenetics, part of Exact Sciences
Classification: Likely benign for TNXB-related condition. Last evaluated: 2020-02-10. Review status: no assertion criteria provided. Collection method: clinical testing. Allele origin: germline. Not counted in ClinVar's aggregate classification.
Comment: This variant is classified as likely benign based on ACMG/AMP sequence variant interpretation guidelines (Richards et al. 2015 PMID: 25741868, with internal and published modifications).